The following is an entry in ClinVar:

ClinVar aggregate classification (germline): Pathogenic/Likely pathogenic. Review status: criteria provided, multiple submitters, no conflicts (2 of 4 stars). 4 submissions from 4 submitters: Pathogenic (2); Likely pathogenic (1). 1 of the submissions does not count toward it. Last evaluated 2025-08-06.

Conditions:
Charcot-Marie-Tooth disease type 2. Also called: Charcot-Marie-Tooth type 2. Identifiers: Orphanet 64746, MedGen C0270914, MONDO:0018993.
Charcot-Marie-Tooth disease. Also called: Charcot-Marie-Tooth Hereditary Neuropathy; Charcot-Marie-Tooth Neuropathy. Identifiers: Orphanet 166, MedGen C0007959, MONDO:0015626.

Submissions (4):

Labcorp Genetics (formerly Invitae), Labcorp
Classification: Pathogenic for Charcot-Marie-Tooth disease type 2. Last evaluated: 2025-08-06. Review status: criteria provided, single submitter. Criteria: Invitae Variant Classification Sherloc (09022015). Collection method: clinical testing. Allele origin: germline.
Comment: This sequence change replaces arginine, which is basic and polar, with glycine, which is neutral and non-polar, at codon 94 of the MFN2 protein (p.Arg94Gly). This variant is not present in population databases (gnomAD no frequency). This missense change has been observed in individuals with autosomal dominant Charcot-Marie-Tooth disease (PMID: 21508331). ClinVar contains an entry for this variant (Variation ID: 637495). Invitae Evidence Modeling of protein sequence and biophysical properties (such as structural, functional, and spatial information, amino acid conservation, physicochemical variation, residue mobility, and thermodynamic stability) indicates that this missense variant is expected to disrupt MFN2 protein function with a positive predictive value of 95%. This variant disrupts the p.Arg94 amino acid residue in MFN2. Other variant(s) that disrupt this residue have been determined to be pathogenic (PMID: 15064763, 16437557, 16714318, 17215403, 20418531, 24862862). This suggests that this residue is clinically significant, and that variants that disrupt this residue are likely to be disease-causing. For these reasons, this variant has been classified as Pathogenic.

Athena Diagnostics
Classification: Likely pathogenic. Last evaluated: 2025-06-30. Review status: criteria provided, single submitter. Criteria: Athena Diagnostics Criteria. Collection method: clinical testing. Allele origin: unknown.
Comment: This variant has not been reported in large, multi-ethnic general populations. This variant has been identified heterozygous in at least one individual with CMT. Multiple missense variants at this codon have been reported in individuals with clinical features associated with this gene. At least one of those variants is considered to be pathogenic or likely pathogenic, suggesting this variant also causes disease. Polyphen and MutationTaster predict this amino acid change may be damaging to the protein.

CeGaT Center for Human Genetics Tuebingen
Classification: Pathogenic. Last evaluated: 2018-06-01. Review status: criteria provided, single submitter. Criteria: CeGaT Center For Human Genetics Tuebingen Variant Classification Criteria Version 2. Collection method: clinical testing. Allele origin: germline. Affected: yes. Observed: 1 variant allele.

Inherited Neuropathy Consortium
Classification: Uncertain significance for Charcot-Marie-Tooth disease. Review status: no assertion criteria provided. Collection method: literature only. Allele origin: germline. Affected: yes. Not counted in ClinVar's aggregate classification.

Literature cited by the submitters: PubMed 21508331 (cited by 3 submitters); PubMed 15064763 (cited by Labcorp Genetics (formerly Invitae), Labcorp); PubMed 16437557 (cited by Labcorp Genetics (formerly Invitae), Labcorp); PubMed 16714318 (cited by Labcorp Genetics (formerly Invitae), Labcorp); PubMed 17215403 (cited by Labcorp Genetics (formerly Invitae), Labcorp); PubMed 20418531 (cited by Labcorp Genetics (formerly Invitae), Labcorp); PubMed 24862862 (cited by Labcorp Genetics (formerly Invitae), Labcorp); PubMed 25614874 (cited by Athena Diagnostics); PubMed 33415332 (cited by Athena Diagnostics).

NM_014874.4(MFN2):c.280C>G (p.Arg94Gly)

Gene: MFN2 (mitofusin 2; plus strand). Cytogenetic location: 1p36.22.
Variant type: single nucleotide variant.
Coding change: c.280C>G on transcript NM_014874.4 (MANE Select); coding-DNA position 280, C replaced by G.
Protein change: p.Arg94Gly; replaces arginine 94 with glycine.
Molecular consequence: missense variant.
Genome position (GRCh38, 1-based): chr1:11,992,659, C>G. VCF-style: chr1-11992659-C-G. GRCh37 (hg19) VCF-style: chr1-12052716-C-G.
Other names: c.280C>G, p.Arg94Gly (NM_001127660.2); short protein forms R94G.
Identifiers: ClinVar variation 637495 (VCV000637495.49), dbSNP rs119103263, ClinGen allele CA338462161.